The following is an entry in ClinVar:

ClinVar aggregate classification (germline): Pathogenic (1 of 4 stars; one submission).

Conditions:
Lynch syndrome 4 (LYNCH4). Also called: Hereditary non-polyposis colorectal cancer, type 4; Colorectal cancer, hereditary nonpolyposis, type 4. Identifiers: Orphanet 144, MedGen C1838333, MONDO:0013699, OMIM 614337. Disease mechanism: loss of function.

Submission:

Myriad Genetics, Inc.
Classification: Pathogenic for Lynch syndrome 4. Last evaluated: 2023-09-19. Review status: criteria provided, single submitter. Criteria: Myriad Autosomal Dominant, Autosomal Recessive and X-Linked Classification Criteria (2023). Collection method: clinical testing. Allele origin: unknown.
Comment: This variant is considered pathogenic. This variant creates a frameshift predicted to result in premature protein truncation.

NM_000535.7(PMS2):c.750del (p.Val251fs)

Gene: PMS2 (PMS1 homolog 2, mismatch repair system component; minus strand). Cytogenetic location: 7p22.1.
Variant type: Deletion.
Coding change: c.750del on transcript NM_000535.7 (MANE Select); coding-DNA position 750, one base deleted (C; older notation c.750delC).
Protein change: p.Val251fs; shifts the reading frame from valine 251.
Molecular consequence: frameshift variant. On other transcripts: 5 prime UTR variant (2), non-coding transcript variant (1), intron variant (3).
Genome position (GRCh38, 1-based): chr7:5,997,379, G deleted on the plus strand (C on the coding strand, the reverse complement: PMS2 is on the minus strand); the first of 2 consecutive G bases (chr7:5,997,379-5,997,380); deleting either gives the same sequence. VCF-style (leftmost placement, unchanged base first): chr7-5997378-CG-C. GRCh37 (hg19) VCF-style: chr7-6037009-CG-C.
Other names: c.432del, p.Val145fs (NM_001322008.2, NM_001406883.1, NM_001406876.1 and 4 more transcripts); c.345del, p.Val116fs (NM_001322009.2, NM_001322010.2, NM_001322003.2 and 19 more transcripts); c.-184del (NM_001322011.2, NM_001322012.2); c.177del, p.Val60fs (NM_001322013.2, NM_001406909.1); c.750del, p.Val251fs (NM_001322014.2, NM_001406870.1, NM_001406871.1 and 3 more transcripts); c.441del, p.Val148fs (NM_001406878.1, NM_001406879.1, NM_001406880.1 and 6 more transcripts); c.582del, p.Val195fs (NM_001406884.1, NM_001406874.1); c.414del, p.Val139fs (NM_001406885.1); and 8 more; short protein forms V116fs, V139fs, V145fs, V148fs, V195fs, V215fs, V251fs, V259fs.
Identifiers: ClinVar variation 2674259 (VCV002674259.1), dbSNP rs2536225095, ClinGen allele CA2695198434.
Genomic context (GRCh38, chr7:5,997,378, plus strand): 5'-CTACTTACTAAAAAAGATTATGCAGAGCATCGGAACAGCTCAAACCGTACTCTTCACACA[CG>C]GAGTCACTAGGGGGCAGCTGAACAAAAGGAATGAGGCTTTGCAACTGAAAAAAAAAAAAA-3'